The following is an entry in ClinVar:

NM_004527.4(MEOX1):c.116C>T (p.Pro39Leu)

Gene: MEOX1 (mesenchyme homeobox 1; minus strand). Cytogenetic location: 17q21.31.
Variant type: single nucleotide variant.
Coding change: c.116C>T on transcript NM_004527.4 (MANE Select); coding-DNA position 116, C replaced by T.
Protein change: p.Pro39Leu; replaces proline 39 with leucine.
Molecular consequence: missense variant. On other transcripts: intron variant (1).
Genome position (GRCh38, 1-based): chr17:43,661,419, G>A on the plus strand (C>T on the coding strand, the complement: MEOX1 is on the minus strand). VCF-style: chr17-43661419-G-A. GRCh37 (hg19) VCF-style: chr17-41738787-G-A.
Other names: c.116C>T, p.Pro39Leu (NM_013999.4); c.-204-26C>T (NM_001040002.2); c.116C>T (NM_004527.3); short protein forms P39L.
Identifiers: ClinVar variation 2175067 (VCV002175067.3), dbSNP rs149296660, ClinGen allele CA8592705.

ClinVar aggregate classification (germline): Uncertain significance. Review status: criteria provided, multiple submitters, no conflicts (2 of 4 stars). 2 submissions from 2 submitters: Uncertain significance (2). Last evaluated 2025-11-29.

Conditions:
MEOX1-related disorder. Also called: MEOX1-related condition.

Allele frequency attached by ClinVar (database versions not stated): ExAC 0.00010; gnomAD 0.00012; TOPMed 0.00014; 1000 Genomes Project 0.00020; ESP Exome Variant Server 0.00023.

Submissions (2):

PreventionGenetics, part of Exact Sciences
Classification: Uncertain significance for MEOX1-related condition. Last evaluated: 2025-11-29. Review status: criteria provided, single submitter. Criteria: ACMG Guidelines, 2015. Collection method: clinical testing. Allele origin: germline.
Comment: The MEOX1 c.116C>T variant is predicted to result in the amino acid substitution p.Pro39Leu. To our knowledge, this variant has not been reported in the literature. This variant is reported in 0.070% of alleles in individuals of African descent in gnomAD. Although we suspect that this variant may be benign, at this time, the clinical significance of this variant is uncertain due to the absence of conclusive functional and genetic evidence.

Labcorp Genetics (formerly Invitae), Labcorp
Classification: Uncertain significance. Last evaluated: 2025-08-15. Review status: criteria provided, single submitter. Criteria: Invitae Variant Classification Sherloc (09022015). Collection method: clinical testing. Allele origin: germline.
Comment: This sequence change replaces proline, which is neutral and non-polar, with leucine, which is neutral and non-polar, at codon 39 of the MEOX1 protein (p.Pro39Leu). This variant is present in population databases (rs149296660, gnomAD 0.06%). This variant has not been reported in the literature in individuals affected with MEOX1-related conditions. ClinVar contains an entry for this variant (Variation ID: 2175067). An algorithm developed to predict the effect of missense changes on protein structure and function (PolyPhen-2) suggests that this variant is likely to be tolerated. In summary, the available evidence is currently insufficient to determine the role of this variant in disease. Therefore, it has been classified as a Variant of Uncertain Significance.